The following is an entry in ClinVar:

NM_001042492.3(NF1):c.3361dup (p.Glu1121fs)

Gene: NF1 (neurofibromin 1; plus strand). Cytogenetic location: 17q11.2.
Variant type: Duplication.
Coding change: c.3361dup on transcript NM_001042492.3 (MANE Select); coding-DNA position 3361, one base duplicated (G; older notation c.3361dupG).
Protein change: p.Glu1121fs; shifts the reading frame from glutamic acid 1121.
Molecular consequence: frameshift variant.
Genome position (GRCh38, 1-based): chr17:31,232,746, G duplicated. VCF-style (leftmost placement, unchanged base first): chr17-31232745-T-TG. GRCh37 (hg19) VCF-style: chr17-29559763-T-TG.
Other names: c.3361dup, p.Glu1121Glyfs (NM_000267.4); short protein forms E1121fs.
Identifiers: ClinVar variation 1452190 (VCV001452190.8), dbSNP rs2151434549, ClinGen allele CA2573153345.

ClinVar aggregate classification (germline): Pathogenic (1 of 4 stars; one submission).

Conditions:
Neurofibromatosis, type 1 (NF1). Also called: NEUROFIBROMATOSIS, TYPE I, SOMATIC; VON RECKLINGHAUSEN DISEASE; Peripheral type neurofibromatosis; Neurofibromatosis, type I. Identifiers: Orphanet 636, MedGen C0027831, MONDO:0018975, OMIM 162200. Disease mechanism: loss of function.

Submission:

Labcorp Genetics (formerly Invitae), Labcorp
Classification: Pathogenic for Neurofibromatosis, type 1. Last evaluated: 2021-03-08. Review status: criteria provided, single submitter. Criteria: Invitae Variant Classification Sherloc (09022015). Collection method: clinical testing. Allele origin: germline.
Comment: This variant has been observed in individual(s) with neurofibromatosis type 1 (Invitae). This sequence change creates a premature translational stop signal (p.Glu1121Glyfs*3) in the NF1 gene. It is expected to result in an absent or disrupted protein product. Loss-of-function variants in NF1 are known to be pathogenic (PMID: 10712197, 23913538). This variant is not present in population databases (ExAC no frequency). For these reasons, this variant has been classified as Pathogenic.

Literature cited by the submitters: PubMed 10712197; PubMed 23913538.